The following is an entry in ClinVar:

ClinVar aggregate classification (germline): Uncertain significance. Review status: criteria provided, multiple submitters, no conflicts (2 of 4 stars). 2 submissions from 2 submitters: Uncertain significance (2). Last evaluated 2025-10-28.

Conditions:
Inborn genetic diseases. Identifiers: MedGen C0950123, MeSH D030342.

Allele frequency attached by ClinVar (database versions not stated): gnomAD 0.00001; gnomAD exomes 0.00001 and 0.00002; TOPMed 0.00002.
gnomAD v4.1: 14 of 1,613,944 alleles (0.00087%); highest among the groups gnomAD compares: Admixed American, 0.0067%; no homozygotes.

Submissions (2):

Ambry Genetics
Classification: Uncertain significance for Inborn genetic diseases. Last evaluated: 2025-10-28. Review status: criteria provided, single submitter. Criteria: Ambry Variant Classification Scheme 2023. Collection method: clinical testing. Allele origin: germline.

Labcorp Genetics (formerly Invitae), Labcorp
Classification: Uncertain significance. Last evaluated: 2021-12-02. Review status: criteria provided, single submitter. Criteria: Invitae Variant Classification Sherloc (09022015). Collection method: clinical testing. Allele origin: germline.
Comment: This sequence change replaces arginine, which is basic and polar, with glutamine, which is neutral and polar, at codon 1153 of the CNTNAP1 protein (p.Arg1153Gln). This variant is present in population databases (no rsID available, gnomAD 0.01%). This variant has not been reported in the literature in individuals affected with CNTNAP1-related conditions. Algorithms developed to predict the effect of missense changes on protein structure and function are either unavailable or do not agree on the potential impact of this missense change (SIFT: "Tolerated"; PolyPhen-2: "Probably Damaging"; Align-GVGD: "Class C0"). Algorithms developed to predict the effect of sequence changes on RNA splicing suggest that this variant may create or strengthen a splice site. In summary, the available evidence is currently insufficient to determine the role of this variant in disease. Therefore, it has been classified as a Variant of Uncertain Significance.

NM_003632.3(CNTNAP1):c.3458G>A (p.Arg1153Gln)

Gene: CNTNAP1 (contactin associated protein 1; plus strand). Cytogenetic location: 17q21.2.
Variant type: single nucleotide variant.
Coding change: c.3458G>A on transcript NM_003632.3 (MANE Select); coding-DNA position 3458, G replaced by A.
Protein change: p.Arg1153Gln; replaces arginine 1153 with glutamine.
Molecular consequence: missense variant.
Genome position (GRCh38, 1-based): chr17:42,696,136, G>A. VCF-style: chr17-42696136-G-A. GRCh37 (hg19) VCF-style: chr17-40848154-G-A.
Other names: c.3458G>A (NM_003632.2); short protein forms R1153Q.
Identifiers: ClinVar variation 1472557 (VCV001472557.11), dbSNP rs940735813, ClinGen allele CA290767423.